The following is an entry in ClinVar:

NM_014844.5(TECPR2):c.34G>T (p.Glu12Ter)

Gene: TECPR2 (tectonin beta-propeller repeat containing 2; plus strand). Cytogenetic location: 14q32.31.
Variant type: single nucleotide variant.
Coding change: c.34G>T on transcript NM_014844.5 (MANE Select); coding-DNA position 34, G replaced by T.
Protein change: p.Glu12Ter; replaces glutamic acid 12 with a stop codon.
Molecular consequence: nonsense.
Genome position (GRCh38, 1-based): chr14:102,376,755, G>T. VCF-style: chr14-102376755-G-T. GRCh37 (hg19) VCF-style: chr14-102843092-G-T.
Other names: c.34G>T, p.Glu12Ter (NM_001172631.3); short protein forms E12*.
Identifiers: ClinVar variation 1071213 (VCV001071213.9), dbSNP rs2139656549, ClinGen allele CA391040248.

ClinVar aggregate classification (germline): Pathogenic (1 of 4 stars; one submission).

Conditions:
Hereditary spastic paraplegia 49 (HSAN9). Also called: Spastic paraplegia 49, autosomal recessive; NEUROPATHY, HEREDITARY SENSORY AND AUTONOMIC, TYPE IX, WITH DEVELOPMENTAL DELAY; TECPR2-Related Hereditary Sensory and Autonomic Neuropathy with Intellectual Disability. Identifiers: Orphanet 320385, MedGen C5190860, MONDO:0014016, OMIM 615031.

Submission:

Labcorp Genetics (formerly Invitae), Labcorp
Classification: Pathogenic for Hereditary spastic paraplegia 49. Last evaluated: 2020-03-26. Review status: criteria provided, single submitter. Criteria: Invitae Variant Classification Sherloc (09022015). Collection method: clinical testing. Allele origin: germline.
Comment: For these reasons, this variant has been classified as Pathogenic. Loss-of-function variants in TECPR2 are known to be pathogenic (PMID: 23176824, 25590979). This variant has not been reported in the literature in individuals with TECPR2-related conditions. This variant is not present in population databases (ExAC no frequency). This sequence change creates a premature translational stop signal (p.Glu12*) in the TECPR2 gene. It is expected to result in an absent or disrupted protein product.

Literature cited by the submitters: PubMed 23176824; PubMed 25590979.